The following is an entry in ClinVar:

NM_020347.4(LZTFL1):c.377A>T (p.Asn126Ile)

Gene: LZTFL1 (leucine zipper transcription factor like 1; minus strand). Cytogenetic location: 3p21.31.
Variant type: single nucleotide variant.
Coding change: c.377A>T on transcript NM_020347.4 (MANE Select); coding-DNA position 377, A replaced by T.
Protein change: p.Asn126Ile; replaces asparagine 126 with isoleucine.
Molecular consequence: missense variant. On other transcripts: non-coding transcript variant (1).
Genome position (GRCh38, 1-based): chr3:45,834,245, T>A on the plus strand (A>T on the coding strand, the complement: LZTFL1 is on the minus strand). VCF-style: chr3-45834245-T-A. GRCh37 (hg19) VCF-style: chr3-45875737-T-A.
Other names: c.326A>T, p.Asn109Ile (NM_001276378.2, NM_001386451.1, NM_001405922.1 and 4 more transcripts); c.365A>T, p.Asn122Ile (NM_001276379.2, NM_001405921.1); c.377A>T, p.Asn126Ile (NM_001386452.1, NM_001405924.1); c.401A>T, p.Asn134Ile (NM_001405920.1, NM_001405925.1); short protein forms N109I, N122I, N126I, N134I.
Identifiers: ClinVar variation 1717664 (VCV001717664.3), dbSNP rs1700907670, ClinGen allele CA352451962.

ClinVar aggregate classification (germline): Uncertain significance (1 of 4 stars; one submission).

Submission:

Labcorp Genetics (formerly Invitae), Labcorp
Classification: Uncertain significance. Last evaluated: 2022-08-22. Review status: criteria provided, single submitter. Criteria: Invitae Variant Classification Sherloc (09022015). Collection method: clinical testing. Allele origin: germline.
Comment: This sequence change replaces asparagine, which is neutral and polar, with isoleucine, which is neutral and non-polar, at codon 126 of the LZTFL1 protein (p.Asn126Ile). This variant is not present in population databases (gnomAD no frequency). This variant has not been reported in the literature in individuals affected with LZTFL1-related conditions. Algorithms developed to predict the effect of missense changes on protein structure and function are either unavailable or do not agree on the potential impact of this missense change (SIFT: "Deleterious"; PolyPhen-2: "Benign"; Align-GVGD: "Class C0"). In summary, the available evidence is currently insufficient to determine the role of this variant in disease. Therefore, it has been classified as a Variant of Uncertain Significance.